The following is an entry in ClinVar:

NM_021728.4(OTX2):c.380G>A (p.Arg127Gln)

Gene: OTX2 (orthodenticle homeobox 2; minus strand). Cytogenetic location: 14q22.3.
Variant type: single nucleotide variant.
Coding change: c.380G>A on transcript NM_021728.4 (MANE Select); coding-DNA position 380, G replaced by A.
Protein change: p.Arg127Gln; replaces arginine 127 with glutamine.
Molecular consequence: missense variant. On other transcripts: non-coding transcript variant (2).
Genome position (GRCh38, 1-based): chr14:56,802,249, C>T on the plus strand (G>A on the coding strand, the complement: OTX2 is on the minus strand). VCF-style: chr14-56802249-C-T. GRCh37 (hg19) VCF-style: chr14-57268967-C-T.
Other names: c.356G>A, p.Arg119Gln (NM_001270523.2, NM_001270524.2, NM_172337.3); c.380G>A, p.Arg127Gln (NM_001270525.2); short protein forms R119Q, R127Q.
Identifiers: ClinVar variation 1417039 (VCV001417039.34), dbSNP rs199799627, ClinGen allele CA7200495.

ClinVar aggregate classification (germline): Conflicting classifications of pathogenicity. Review status: criteria provided, conflicting classifications (1 of 4 stars). 4 submissions from 4 submitters: Uncertain significance (3); Likely benign (1). Last evaluated 2025-11-20.

Conditions:
Pituitary hormone deficiency, combined, 6. Identifiers: MedGen C3151440, MONDO:0013518, OMIM 613986.
Syndromic microphthalmia type 5 (MCOPS5). Also called: RETINAL DYSTROPHY, EARLY-ONSET, WITH PITUITARY DYSFUNCTION; RETINAL DYSTROPHY, EARLY-ONSET, WITHOUT PITUITARY DYSFUNCTION. Identifiers: Orphanet 178364, MedGen C1864690, MONDO:0012413, OMIM 610125.
Anophthalmia-microphthalmia syndrome. Also called: Anophthalmia/Microphthalmia; Anophthalmia - microphthalmia. Identifiers: Orphanet 98555, MedGen C5680330, MONDO:0020147.

Allele frequency attached by ClinVar (database versions not stated): ESP Exome Variant Server 0.00008.

Submissions (4):

Labcorp Genetics (formerly Invitae), Labcorp
Classification: Uncertain significance for Anophthalmia-microphthalmia syndrome. Last evaluated: 2025-11-20. Review status: criteria provided, single submitter. Criteria: Invitae Variant Classification Sherloc (09022015). Collection method: clinical testing. Allele origin: germline.
Comment: This sequence change replaces arginine, which is basic and polar, with glutamine, which is neutral and polar, at codon 119 of the OTX2 protein (p.Arg119Gln). This variant is present in population databases (rs199799627, gnomAD 0.02%). This variant has not been reported in the literature in individuals affected with OTX2-related conditions. ClinVar contains an entry for this variant (Variation ID: 1417039). An algorithm developed to predict the effect of missense changes on protein structure and function (PolyPhen-2) suggests that this variant is likely to be tolerated. In summary, the available evidence is currently insufficient to determine the role of this variant in disease. Therefore, it has been classified as a Variant of Uncertain Significance.

Blueprint Genetics
Classification: Likely benign. Last evaluated: 2024-11-06. Review status: criteria provided, single submitter. Criteria: ACMG Guidelines, 2015. Collection method: clinical testing. Allele origin: germline.

CeGaT Center for Human Genetics Tuebingen
Classification: Uncertain significance. Last evaluated: 2023-01-01. Review status: criteria provided, single submitter. Criteria: CeGaT Center For Human Genetics Tuebingen Variant Classification Criteria Version 2. Collection method: clinical testing. Allele origin: germline. Affected: yes. Observed: 1 variant allele.

Fulgent Genetics
Classification: Uncertain significance for Syndromic microphthalmia type 5; Pituitary hormone deficiency, combined, 6. Last evaluated: 2021-07-28. Review status: criteria provided, single submitter. Criteria: ACMG Guidelines, 2015. Collection method: clinical testing. Allele origin: unknown.